The following is an entry in ClinVar:

NM_007194.4(CHEK2):c.1489del (p.Asp497fs)

Gene: CHEK2 (checkpoint kinase 2; minus strand). Cytogenetic location: 22q12.1.
Variant type: Deletion.
Coding change: c.1489del on transcript NM_007194.4 (MANE Select); coding-DNA position 1489, one base deleted (G; older notation c.1489delG).
Protein change: p.Asp497fs; shifts the reading frame from aspartic acid 497.
Molecular consequence: frameshift variant.
Genome position (GRCh38, 1-based): chr22:28,689,188, C deleted on the plus strand (G on the coding strand, the reverse complement: CHEK2 is on the minus strand). VCF-style (leftmost placement, unchanged base first): chr22-28689187-TC-T. GRCh37 (hg19) VCF-style: chr22-29085175-TC-T.
Other names: c.1489del (NM_007194.3); c.1618delG, p.Asp540Ilefs (NM_001005735.3); c.826delG, p.Asp276Ilefs (NM_001257387.3); c.1288delG, p.Asp430Ilefs (NM_001349956.3); c.1402delG, p.Asp468Ilefs (NM_145862.3); short protein forms D468fs, D540fs, D276fs, D430fs, D497fs.
Identifiers: ClinVar variation 185176 (VCV000185176.60), dbSNP rs774175654, ClinGen allele CA191237.

ClinVar aggregate classification (germline): Pathogenic/Likely pathogenic. Review status: criteria provided, multiple submitters, no conflicts (2 of 4 stars). 9 submissions from 9 submitters: Pathogenic (4); Likely pathogenic (4). 1 of the submissions does not count toward it. Last evaluated 2025-11-14.

Conditions:
Hereditary cancer-predisposing syndrome. Also called: Tumor predisposition; Neoplastic Syndromes, Hereditary; Hereditary Cancer Syndrome; Hereditary neoplastic syndrome. Identifiers: Orphanet 140162, MedGen C0027672, MeSH D009386, MONDO:0015356.
Familial cancer of breast. Also called: hereditary breast carcinoma; BREAST CANCER, FAMILIAL; Hereditary breast cancer. Identifiers: Orphanet 227535, MedGen C0346153, MONDO:0016419, OMIM 114480. Disease mechanism: loss of function.

Allele frequency attached by ClinVar (database versions not stated): gnomAD exomes below 0.00001 and 0.00001; ExAC 0.00001; gnomAD 0.00001; TOPMed 0.00001.

Submissions (9):

Clinical Genetics Laboratory, Skane University Hospital Lund
Classification: Pathogenic for Familial cancer of breast. Last evaluated: 2025-11-14. Review status: criteria provided, single submitter. Criteria: ACMG Guidelines, 2015. Collection method: clinical testing. Allele origin: germline. Affected: yes.
Comment: PVS1, PS3, PM2

Labcorp Genetics (formerly Invitae), Labcorp
Classification: Likely pathogenic for Familial cancer of breast. Last evaluated: 2025-10-14. Review status: criteria provided, single submitter. Criteria: Invitae Variant Classification Sherloc (09022015). Collection method: clinical testing. Allele origin: germline.
Comment: This sequence change creates a premature translational stop signal (p.Asp497Ilefs*16) in the CHEK2 gene. While this is not anticipated to result in nonsense mediated decay, it is expected to disrupt the last 47 amino acid(s) of the CHEK2 protein. This variant is present in population databases (rs774175654, gnomAD 0.007%). This premature translational stop signal has been observed in individual(s) with breast and/or ovarian cancer (PMID: 37563628). ClinVar contains an entry for this variant (Variation ID: 185176). This variant disrupts the nuclear localization signal (NLS) of the CHEK2 protein, which is critical for proper nuclear localization (PMID: 18004398, 12909615). While functional studies have not been performed to directly test the effect of this variant on CHEK2 protein function, this suggests that disruption of this region of the protein is causative of disease. In summary, the currently available evidence indicates that the variant is pathogenic, but additional data are needed to prove that conclusively. Therefore, this variant has been classified as Likely Pathogenic.

Ambry Genetics
Classification: Pathogenic for Hereditary cancer-predisposing syndrome. Last evaluated: 2025-05-29. Review status: criteria provided, single submitter. Criteria: Ambry Variant Classification Scheme 2023. Collection method: clinical testing. Allele origin: germline.
Comment: The c.1489delG pathogenic mutation, located in coding exon 13 of the CHEK2 gene, results from a deletion of one nucleotide at nucleotide position 1489, causing a translational frameshift with a predicted alternate stop codon (p.D497Ifs*16). This alteration occurs at the 3' terminus of the CHEK2 gene, is not expected to trigger nonsense-mediated mRNA decay, and impacts the last 47 amino acids of the protein. However, premature stop codons are typically deleterious in nature and the impacted region is critical for protein function (Ambry internal data). Based on the supporting evidence, this variant is interpreted as a disease-causing mutation.

CeGaT Center for Human Genetics Tuebingen
Classification: Likely pathogenic. Last evaluated: 2024-05-01. Review status: criteria provided, single submitter. Criteria: CeGaT Center For Human Genetics Tuebingen Variant Classification Criteria Version 2. Collection method: clinical testing. Allele origin: germline. Affected: yes. Observed: 2 variant alleles.
Comment: CHEK2: PM2, PS4:Moderate, PVS1:Moderate

Baylor Genetics
Classification: Likely pathogenic for Familial cancer of breast. Last evaluated: 2023-12-19. Review status: criteria provided, single submitter. Criteria: ACMG Guidelines, 2015. Collection method: clinical testing. Allele origin: unknown.

Myriad Genetics, Inc.
Classification: Pathogenic for Familial cancer of breast. Last evaluated: 2023-06-29. Review status: criteria provided, single submitter. Criteria: Myriad Autosomal Dominant, Autosomal Recessive and X-Linked Classification Criteria (2023). Collection method: clinical testing. Allele origin: unknown.
Comment: This variant is considered pathogenic. This variant creates a frameshift predicted to result in premature protein truncation.

GeneDx
Classification: Likely pathogenic. Last evaluated: 2023-05-02. Review status: criteria provided, single submitter. Criteria: GeneDx Variant Classification Process June 2021. Collection method: clinical testing. Allele origin: germline. Affected: yes.
Comment: Frameshift variant predicted to result in protein truncation, as the last 47 amino acids are replaced with 15 different amino acids, and other loss-of-function variants have been reported downstream in HGMD; Not observed at significant frequency in large population cohorts (gnomAD); Observed in individuals with prostate cancer (Matejcic et al., 2020); This variant is associated with the following publications: (PMID: 32832836, 32805687, 29922827, 19782031, 22419737)

Quest Diagnostics Nichols Institute San Juan Capistrano
Classification: Pathogenic. Last evaluated: 2018-10-09. Review status: criteria provided, single submitter. Criteria: Quest Diagnostics criteria. Collection method: clinical testing. Allele origin: germline.
Comment: The variant results in a shift of the reading frame, and is therefore predicted to significantly disrupt the protein structure. Found in at least one symptomatic patient, and not found in general population data.

BRCAlab, Lund University
Classification: Pathogenic for Familial cancer of breast. Last evaluated: 2022-08-26. Review status: no assertion criteria provided. Collection method: clinical testing. Allele origin: germline. Affected: yes. Not counted in ClinVar's aggregate classification.

Literature cited by the submitters: PubMed 37563628 (cited by Labcorp Genetics (formerly Invitae), Labcorp); PubMed 18004398 (cited by Labcorp Genetics (formerly Invitae), Labcorp); PubMed 12909615 (cited by Labcorp Genetics (formerly Invitae), Labcorp and Ambry Genetics); PubMed 29922827 (cited by Quest Diagnostics Nichols Institute San Juan Capistrano).